The following is an entry in ClinVar:

ClinVar aggregate classification (germline): Uncertain significance (1 of 4 stars; one submission).

Conditions:
Early-infantile DEE. Also called: Early infantile epileptic encephalopathy; Ohtahara syndrome; Early infantile epileptic encephalopathy with suppression bursts. Identifiers: Orphanet 1934, MedGen C0393706, MONDO:0800491.

Submission:

Labcorp Genetics (formerly Invitae), Labcorp
Classification: Uncertain significance for Early-infantile DEE. Last evaluated: 2025-03-16. Review status: criteria provided, single submitter. Criteria: Invitae Variant Classification Sherloc (09022015). Collection method: clinical testing. Allele origin: germline.
Comment: This sequence change falls in intron 20 of the SCN1A gene. It does not directly change the encoded amino acid sequence of the SCN1A protein. However, this sequence change falls within a region encompassing a cryptic exon in the SCN1A gene, in which variants have been shown to alter splicing (PMID: 30526861, 34107977). This variant is present in population databases (no rsID available, gnomAD 0.1%). This variant has been observed in individuals with clinical features of autosomal dominant SCN1A-related conditions (internal data). Algorithms developed to predict the effect of sequence changes on RNA splicing suggest that this variant is not likely to affect RNA splicing. In summary, the available evidence is currently insufficient to determine the role of this variant in disease. Therefore, it has been classified as a Variant of Uncertain Significance.

Literature cited by the submitters: PubMed 30526861; PubMed 34107977.

NM_001165963.4(SCN1A):c.4002+2388CTAA[3]

Genes: SCN1A (sodium voltage-gated channel alpha subunit 1; minus strand), LOC102724058 (uncharacterized LOC102724058; plus strand). Cytogenetic location: 2q24.3.
Variant type: Microsatellite.
Coding change: c.4002+2388CTAA[3] on transcript NM_001165963.4 (MANE Select); three copies in a row of the 4-base unit CTAA starting at c.4002+2388; the reference has two copies in a row; one copy, 4 bases duplicated.
Molecular consequence: intron variant.
Genome position (GRCh38, 1-based): chr2:166,007,324-166,007,327, TTAG duplicated on the plus strand (CTAA on the coding strand, the reverse complement: SCN1A is on the minus strand); duplicating any 4 consecutive bases within chr2:166,007,324-166,007,331 gives the same sequence; the position shown is the placement nearest the transcript's 3' end. VCF-style (leftmost placement, unchanged base first): chr2-166007323-A-ATTAG. GRCh37 (hg19) VCF-style: chr2-166863833-A-ATTAG.
Other names: c.3969+2388CTAA[3] (NM_001353949.2, NM_001353950.2, NM_001353951.2 and 2 more transcripts); c.3918+2388CTAA[3] (NM_001353958.2, NM_001353957.2, NM_001165964.3); c.4002+2388CTAA[3] (NM_001202435.3, NM_001353948.2); c.3966+2388CTAA[3] (NM_001353955.2, NM_001353954.2); c.3915+2388CTAA[3] (NM_001353960.2); c.1560+2388CTAA[3] (NM_001353961.2).
Identifiers: ClinVar variation 1944259 (VCV001944259.5), dbSNP rs1255519475, ClinGen allele CA537134249.